The following is an entry in ClinVar:

ClinVar aggregate classification (germline): Uncertain significance (1 of 4 stars; one submission).

Submission:

CeGaT Center for Human Genetics Tuebingen
Classification: Uncertain significance. Last evaluated: 2024-11-01. Review status: criteria provided, single submitter. Criteria: CeGaT Center For Human Genetics Tuebingen Variant Classification Criteria Version 2. Collection method: clinical testing. Allele origin: germline. Affected: yes. Observed: 1 variant allele.
Comment: KCNQ1: PM2

NM_000218.3(KCNQ1):c.890G>T (p.Gly297Val)

Gene: KCNQ1 (potassium voltage-gated channel subfamily Q member 1; plus strand). Cytogenetic location: 11p15.5.
Variant type: single nucleotide variant.
Coding change: c.890G>T on transcript NM_000218.3 (MANE Select); coding-DNA position 890, G replaced by T.
Protein change: p.Gly297Val; replaces glycine 297 with valine.
Molecular consequence: missense variant. On other transcripts: intron variant (1).
Genome position (GRCh38, 1-based): chr11:2,572,955, G>T. VCF-style: chr11-2572955-G-T. GRCh37 (hg19) VCF-style: chr11-2594185-G-T.
Other names: c.890G>T, p.Gly297Val (NM_001406836.1); c.620G>T, p.Gly207Val (NM_001406837.1); c.509G>T, p.Gly170Val (NM_181798.2); c.478-10480G>T (NM_001406838.1); short protein forms G170V, G207V, G297V.
Identifiers: ClinVar variation 3390233 (VCV003390233.14).